The following is an entry in ClinVar:

ClinVar aggregate classification (germline): Uncertain significance. Review status: criteria provided, multiple submitters, no conflicts (2 of 4 stars). 2 submissions from 2 submitters: Uncertain significance (2). Last evaluated 2023-12-29.

Conditions:
Prostate cancer, hereditary, 2 (HPC2). Identifiers: Orphanet 1331, MedGen C3539120, MONDO:0013872, OMIM 614731.
Combined oxidative phosphorylation defect type 17. Also called: Combined oxidative phosphorylation deficiency 17. Identifiers: Orphanet 369913, MedGen C3809526, MONDO:0014190, OMIM 615440.
Inborn genetic diseases. Identifiers: MedGen C0950123, MeSH D030342.

Allele frequency attached by ClinVar (database versions not stated): gnomAD 0.00001.

Submissions (2):

Fulgent Genetics
Classification: Uncertain significance for Prostate cancer, hereditary, 2; Combined oxidative phosphorylation defect type 17. Last evaluated: 2023-12-29. Review status: criteria provided, single submitter. Criteria: ACMG Guidelines, 2015. Collection method: clinical testing. Allele origin: germline.

Ambry Genetics
Classification: Uncertain significance for Inborn genetic diseases. Last evaluated: 2020-10-21. Review status: criteria provided, single submitter. Criteria: Ambry Variant Classification Scheme 2023. Collection method: clinical testing. Allele origin: germline.
Comment: The c.829G>A (p.A277T) alteration is located in exon 10 (coding exon 10) of the ELAC2 gene. This alteration results from a G to A substitution at nucleotide position 829, causing the alanine (A) at amino acid position 277 to be replaced by a threonine (T). Based on data from the Genome Aggregation Database (gnomAD) database, the ELAC2 c.829G>A alteration was observed in <0.01% (1/31400) of total alleles studied, with a frequency of 0.01% (1/8712) in the African subpopulation. This amino acid position is well conserved in available vertebrate species. The p.A277T alteration is predicted to be tolerated by in silico analysis. Based on insufficient or conflicting evidence, the clinical significance of this alteration remains unclear.

NM_018127.7(ELAC2):c.829G>A (p.Ala277Thr)

Gene: ELAC2 (elaC ribonuclease Z 2; minus strand). Cytogenetic location: 17p12.
Variant type: single nucleotide variant.
Coding change: c.829G>A on transcript NM_018127.7 (MANE Select); coding-DNA position 829, G replaced by A.
Protein change: p.Ala277Thr; replaces alanine 277 with threonine.
Molecular consequence: missense variant.
Genome position (GRCh38, 1-based): chr17:13,005,794, C>T on the plus strand (G>A on the coding strand, the complement: ELAC2 is on the minus strand). VCF-style: chr17-13005794-C-T. GRCh37 (hg19) VCF-style: chr17-12909111-C-T.
Other names: c.709G>A, p.Ala237Thr (NM_001165962.2); c.829G>A, p.Ala277Thr (NM_173717.2); short protein forms A237T, A277T.
Identifiers: ClinVar variation 2227685 (VCV002227685.3), dbSNP rs1235527429, ClinGen allele CA398227311.